The following is an entry in ClinVar:

NM_002351.5(SH2D1A):c.146G>T (p.Gly49Val)

Gene: SH2D1A (SH2 domain containing 1A; plus strand). Cytogenetic location: Xq25.
Variant type: single nucleotide variant.
Coding change: c.146G>T on transcript NM_002351.5 (MANE Select); coding-DNA position 146, G replaced by T.
Protein change: p.Gly49Val; replaces glycine 49 with valine.
Molecular consequence: missense variant.
Genome position (GRCh38, 1-based): chrX:124,365,769, G>T. VCF-style: chrX-124365769-G-T. GRCh37 (hg19) VCF-style: chrX-123499619-G-T.
Other names: c.146G>T, p.Gly49Val (NM_001114937.3); short protein forms G49V.
Identifiers: ClinVar variation 1410736 (VCV001410736.6), dbSNP rs2147531318, ClinGen allele CA414123412.
Genomic context (GRCh38, chrX:124,365,769, plus strand): 5'-TATCCATTGTTCTTTTGGAATCTTTCAGTAATGGAAGTTTATTCTTTCACAGGTATCACG[G>T]TTACATTTATACATACCGAGTGTCCCAGACAGAAACAGGTTCTTGGAGTGCTGAGGTATA-3'
Protein context (NP_002342.1, residues 39-59): GVYCLCVLYH[Gly49Val]YIYTYRVSQT

ClinVar aggregate classification (germline): Uncertain significance (1 of 4 stars; one submission).

Conditions:
X-linked lymphoproliferative disease due to SH2D1A deficiency (XLP1). Also called: PURTILO SYNDROME; EBV infection severe susceptibility to; Epstein Barr virus infection familial fatal; Duncan's syndrome; DUNCAN DISEASE; IMMUNODEFICIENCY 5. Identifiers: Orphanet 2442, Orphanet 538931, MedGen C5399825, MONDO:0024551, OMIM 308240.

Submission:

Labcorp Genetics (formerly Invitae), Labcorp
Classification: Uncertain significance for X-linked lymphoproliferative disease due to SH2D1A deficiency. Last evaluated: 2024-10-16. Review status: criteria provided, single submitter. Criteria: Invitae Variant Classification Sherloc (09022015). Collection method: clinical testing. Allele origin: germline.
Comment: This sequence change replaces glycine, which is neutral and non-polar, with valine, which is neutral and non-polar, at codon 49 of the SH2D1A protein (p.Gly49Val). This variant is not present in population databases (gnomAD no frequency). This missense change has been observed in individuals with X-linked lymphoproliferative syndrome (PMID: 11493483, 35367395; internal data). ClinVar contains an entry for this variant (Variation ID: 1410736). An algorithm developed to predict the effect of missense changes on protein structure and function (PolyPhen-2) suggests that this variant is likely to be disruptive. In summary, the available evidence is currently insufficient to determine the role of this variant in disease. Therefore, it has been classified as a Variant of Uncertain Significance.

Literature cited by the submitters: PubMed 11493483; PubMed 35367395.